The following is an entry in ClinVar:

ClinVar aggregate classification (germline): Uncertain significance (1 of 4 stars; one submission).

Conditions:
Early-infantile DEE. Also called: Ohtahara syndrome; Early infantile epileptic encephalopathy; Early infantile epileptic encephalopathy with suppression bursts. Identifiers: Orphanet 1934, MedGen C0393706, MONDO:0800491.

Submission:

Labcorp Genetics (formerly Invitae), Labcorp
Classification: Uncertain significance for Early-infantile DEE. Last evaluated: 2022-11-01. Review status: criteria provided, single submitter. Criteria: Invitae Variant Classification Sherloc (09022015). Collection method: clinical testing. Allele origin: germline.
Comment: ClinVar contains an entry for this variant (Variation ID: 568141). This variant has not been reported in the literature in individuals affected with SCN1A-related conditions. This variant is not present in population databases (gnomAD no frequency). This sequence change replaces tyrosine, which is neutral and polar, with cysteine, which is neutral and slightly polar, at codon 916 of the SCN1A protein (p.Tyr916Cys). Advanced modeling of protein sequence and biophysical properties (such as structural, functional, and spatial information, amino acid conservation, physicochemical variation, residue mobility, and thermodynamic stability) performed at Invitae indicates that this missense variant is expected to disrupt SCN1A protein function. In summary, the available evidence is currently insufficient to determine the role of this variant in disease. Therefore, it has been classified as a Variant of Uncertain Significance.

NM_001165963.4(SCN1A):c.2747A>G (p.Tyr916Cys)

Gene: SCN1A (sodium voltage-gated channel alpha subunit 1; minus strand). Cytogenetic location: 2q24.3.
Variant type: single nucleotide variant.
Coding change: c.2747A>G on transcript NM_001165963.4 (MANE Select); coding-DNA position 2747, A replaced by G.
Protein change: p.Tyr916Cys; replaces tyrosine 916 with cysteine.
Molecular consequence: missense variant. On other transcripts: non-coding transcript variant (1).
Genome position (GRCh38, 1-based): chr2:166,037,975, T>C on the plus strand (A>G on the coding strand, the complement: SCN1A is on the minus strand). VCF-style: chr2-166037975-T-C. GRCh37 (hg19) VCF-style: chr2-166894485-T-C.
Other names: c.2663A>G, p.Tyr888Cys (NM_001165964.3, NM_001353957.2, NM_001353958.2); c.2747A>G, p.Tyr916Cys (NM_001202435.3, NM_001353948.2); c.2714A>G, p.Tyr905Cys (NM_001353949.2, NM_001353950.2, NM_001353951.2 and 2 more transcripts); c.2711A>G, p.Tyr904Cys (NM_001353954.2, NM_001353955.2); c.2660A>G, p.Tyr887Cys (NM_001353960.2); c.305A>G, p.Tyr102Cys (NM_001353961.2); short protein forms Y916C, Y905C, Y887C, Y888C, Y904C, Y102C.
Identifiers: ClinVar variation 568141 (VCV000568141.9), dbSNP rs1559200027, ClinGen allele CA349061466.